The following is an entry in ClinVar:

NM_002016.2(FLG):c.7716C>G (p.Asp2572Glu)

Genes: CCDST (cervical cancer associated DHX9 suppressive transcript; plus strand), FLG (filaggrin; minus strand). Cytogenetic location: 1q21.3.
Variant type: single nucleotide variant.
Coding change: c.7716C>G on transcript NM_002016.2 (MANE Select); coding-DNA position 7716, C replaced by G.
Protein change: p.Asp2572Glu; replaces aspartic acid 2572 with glutamic acid.
Molecular consequence: missense variant.
Genome position (GRCh38, 1-based): chr1:152,307,170, G>C on the plus strand (C>G on the coding strand, the complement: FLG is on the minus strand). VCF-style: chr1-152307170-G-C. GRCh37 (hg19) VCF-style: chr1-152279646-G-C.
Other names: short protein forms D2572E.
Identifiers: ClinVar variation 3905057 (VCV003905057.12).

ClinVar aggregate classification (germline): Conflicting classifications of pathogenicity. Review status: criteria provided, conflicting classifications (1 of 4 stars). 3 submissions from 3 submitters: Uncertain significance (1); Likely benign (2). Last evaluated 2025-08-02.

Conditions:
Inborn genetic diseases. Identifiers: MedGen C0950123, MeSH D030342.

gnomAD v4.1: 610 of 1,612,838 alleles (0.038%); highest among the groups gnomAD compares: African/African-American, 0.59%; 20 homozygotes.

Submissions (3):

Ambry Genetics
Classification: Uncertain significance for Inborn genetic diseases. Last evaluated: 2025-08-02. Review status: criteria provided, single submitter. Criteria: Ambry Variant Classification Scheme 2023. Collection method: clinical testing. Allele origin: germline.

CeGaT Center for Human Genetics Tuebingen
Classification: Likely benign. Last evaluated: 2025-07-01. Review status: criteria provided, single submitter. Criteria: CeGaT Center For Human Genetics Tuebingen Variant Classification Criteria Version 2. Collection method: clinical testing. Allele origin: germline. Affected: yes. Observed: 2 variant alleles.
Comment: FLG: BP4, BS2

Blueprint Genetics
Classification: Likely benign. Last evaluated: 2024-08-15. Review status: criteria provided, single submitter. Criteria: ACMG Guidelines, 2015. Collection method: clinical testing. Allele origin: germline.